The following is an entry in ClinVar:

ClinVar aggregate classification (germline): Uncertain significance (1 of 4 stars; one submission).

Conditions:
Arrhythmogenic right ventricular dysplasia 8 (ARVD8). Also called: Arrhythmogenic Right Ventricular Dysplasia/Cardiomyopathy 8; ARRHYTHMOGENIC RIGHT VENTRICULAR DYSPLASIA, FAMILIAL, 8; ARRHYTHMOGENIC RIGHT VENTRICULAR CARDIOMYOPATHY 8. Identifiers: MedGen C1843896, MONDO:0011831, OMIM 607450.
Arrhythmogenic cardiomyopathy with wooly hair and keratoderma. Also called: PALMOPLANTAR KERATODERMA WITH LEFT VENTRICULAR CARDIOMYOPATHY AND WOOLLY HAIR; Dilated cardiomyopathy with woolly hair and keratoderma; Arrhythmogenic cardiomyopathy with woolly hair and keratoderma; Carvajal syndrome. Identifiers: Orphanet 65282, MedGen C1854063, MONDO:0011581, OMIM 605676.

gnomAD v4.1: 1 of 1,607,500 alleles (0.000062%); highest among the groups gnomAD compares: Non-Finnish European, 0.000085%; no homozygotes.

Submission:

Labcorp Genetics (formerly Invitae), Labcorp
Classification: Uncertain significance for Arrhythmogenic cardiomyopathy with wooly hair and keratoderma; Arrhythmogenic right ventricular dysplasia 8. Last evaluated: 2025-07-30. Review status: criteria provided, single submitter. Criteria: Invitae Variant Classification Sherloc (09022015). Collection method: clinical testing. Allele origin: germline.
Comment: This sequence change replaces arginine, which is basic and polar, with tryptophan, which is neutral and slightly polar, at codon 10 of the DSP protein (p.Arg10Trp). This variant is not present in population databases (gnomAD no frequency). This variant has not been reported in the literature in individuals affected with DSP-related conditions. An algorithm developed to predict the effect of missense changes on protein structure and function (PolyPhen-2) suggests that this variant is likely to be disruptive. In summary, the available evidence is currently insufficient to determine the role of this variant in disease. Therefore, it has been classified as a Variant of Uncertain Significance.

NM_004415.4(DSP):c.28C>T (p.Arg10Trp)

Genes: DSP-AS1 (DSP antisense RNA 1; minus strand), DSP (desmoplakin; plus strand). Cytogenetic location: 6p24.3.
Variant type: single nucleotide variant.
Coding change: c.28C>T on transcript NM_004415.4 (MANE Select); coding-DNA position 28, C replaced by T.
Protein change: p.Arg10Trp; replaces arginine 10 with tryptophan.
Molecular consequence: missense variant.
Genome position (GRCh38, 1-based): chr6:7,541,943, C>T. VCF-style: chr6-7541943-C-T. GRCh37 (hg19) VCF-style: chr6-7542176-C-T.
Other names: c.28C>T, p.Arg10Trp (NM_001008844.3, NM_001319034.2, NM_001406591.1); short protein forms R10W.
Identifiers: ClinVar variation 4794437 (VCV004794437.1).